The following is an entry in ClinVar:

NM_001844.5(COL2A1):c.906_910del (p.Gly303fs)

Gene: COL2A1 (collagen type II alpha 1 chain; minus strand). Cytogenetic location: 12q13.11.
Variant type: Deletion.
Coding change: c.906_910del on transcript NM_001844.5 (MANE Select); coding-DNA positions 906 to 910, 5 bases deleted (GGGTG; older notation c.906_910delGGGTG).
Protein change: p.Gly303fs; shifts the reading frame from glycine 303.
Molecular consequence: frameshift variant.
Genome position (GRCh38, 1-based): chr12:47,993,823-47,993,827, CACCC deleted on the plus strand (GGGTG on the coding strand, the reverse complement: COL2A1 is on the minus strand). VCF-style (leftmost placement, unchanged base first): chr12-47993822-GCACCC-G. GRCh37 (hg19) VCF-style: chr12-48387605-GCACCC-G.
Other names: c.699_703del, p.Gly234fs (NM_033150.3); short protein forms G234fs, G303fs.
Identifiers: ClinVar variation 4722334 (VCV004722334.1).

ClinVar aggregate classification (germline): Pathogenic (1 of 4 stars; one submission).

Submission:

Labcorp Genetics (formerly Invitae), Labcorp
Classification: Pathogenic. Last evaluated: 2026-01-11. Review status: criteria provided, single submitter. Criteria: Invitae Variant Classification Sherloc (09022015). Collection method: clinical testing. Allele origin: germline.
Comment: This sequence change creates a premature translational stop signal (p.Gly303Serfs*6) in the COL2A1 gene. It is expected to result in an absent or disrupted protein product. Loss-of-function variants in COL2A1 are known to be pathogenic (PMID: 20179744). This variant is not present in population databases (gnomAD no frequency). This variant has not been reported in the literature in individuals affected with COL2A1-related conditions. For these reasons, this variant has been classified as Pathogenic.

Literature cited by the submitters: PubMed 20179744.